The following is an entry in ClinVar:

NM_001069.3(TUBB2A):c.395G>A (p.Gly132Asp)

Gene: TUBB2A (tubulin beta 2A class IIa; minus strand). Cytogenetic location: 6p25.2.
Variant type: single nucleotide variant.
Coding change: c.395G>A on transcript NM_001069.3 (MANE Select); coding-DNA position 395, G replaced by A.
Protein change: p.Gly132Asp; replaces glycine 132 with aspartic acid.
Molecular consequence: missense variant.
Genome position (GRCh38, 1-based): chr6:3,154,806, C>T on the plus strand (G>A on the coding strand, the complement: TUBB2A is on the minus strand). VCF-style: chr6-3154806-C-T. GRCh37 (hg19) VCF-style: chr6-3155040-C-T.
Other names: c.140G>A, p.Gly47Asp (NM_001310315.2); short protein forms G132D, G47D.
Identifiers: ClinVar variation 1312432 (VCV001312432.2), dbSNP rs2113785616, ClinGen allele CA362592836.

ClinVar aggregate classification (germline): Uncertain significance (1 of 4 stars; one submission).

Submission:

GeneDx
Classification: Uncertain significance. Last evaluated: 2020-01-15. Review status: criteria provided, single submitter. Criteria: GeneDx Variant Classification Process June 2021. Collection method: clinical testing. Allele origin: germline. Affected: yes.
Comment: Not observed in large population cohorts (Lek et al., 2016); In silico analysis, which includes protein predictors and evolutionary conservation, supports a deleterious effect; Has not been previously published as pathogenic or benign to our knowledge